The following is an entry in ClinVar:

ClinVar aggregate classification (germline): Uncertain significance (1 of 4 stars; one submission).

Conditions:
Hereditary cancer-predisposing syndrome. Also called: Neoplastic Syndromes, Hereditary; Tumor predisposition; Hereditary Cancer Syndrome; Hereditary neoplastic syndrome. Identifiers: Orphanet 140162, MedGen C0027672, MeSH D009386, MONDO:0015356.

Submission:

Ambry Genetics
Classification: Uncertain significance for Hereditary cancer-predisposing syndrome. Last evaluated: 2026-01-10. Review status: criteria provided, single submitter. Criteria: Ambry Variant Classification Scheme 2023. Collection method: clinical testing. Allele origin: germline.
Comment: The p.V1186M variant (also known as c.3556G>A), located in coding exon 23 of the RAD50 gene, results from a G to A substitution at nucleotide position 3556. The valine at codon 1186 is replaced by methionine, an amino acid with highly similar properties. This amino acid position is conserved. In addition, this alteration is predicted to be deleterious by in silico analysis. Based on the available evidence, the clinical significance of this variant remains unclear.

NM_005732.4(RAD50):c.3556G>A (p.Val1186Met)

Genes: RAD50 (RAD50 double strand break repair protein; plus strand), TH2-LCR (Th2 cytokine locus control region; plus strand), TH2LCRR (T helper type 2 locus control region associated RNA; minus strand). Cytogenetic location: 5q31.1.
Variant type: single nucleotide variant.
Coding change: c.3556G>A on transcript NM_005732.4 (MANE Select); coding-DNA position 3556, G replaced by A.
Protein change: p.Val1186Met; replaces valine 1186 with methionine.
Molecular consequence: missense variant. On other transcripts: non-coding transcript variant (3).
Genome position (GRCh38, 1-based): chr5:132,638,161, G>A. VCF-style: chr5-132638161-G-A. GRCh37 (hg19) VCF-style: chr5-131973853-G-A.
Other names: short protein forms V1186M.
Identifiers: ClinVar variation 4842949 (VCV004842949.1).